The following is an entry in ClinVar:

ClinVar aggregate classification (germline): Uncertain significance. Review status: criteria provided, multiple submitters, no conflicts (2 of 4 stars). 2 submissions from 2 submitters: Uncertain significance (2). Last evaluated 2025-11-24.

Conditions:
PLXNA1-related disorder. Also called: PLXNA1-related condition.

gnomAD v4.1: 2 of 1,609,316 alleles (0.00012%); highest among the groups gnomAD compares: African/African-American, 0.0027%; no homozygotes.

Submissions (2):

Ambry Genetics
Classification: Uncertain significance. Last evaluated: 2025-11-24. Review status: criteria provided, single submitter. Criteria: Ambry Variant Classification Scheme 2023. Collection method: clinical testing. Allele origin: germline.

PreventionGenetics, part of Exact Sciences
Classification: Uncertain significance for PLXNA1-related condition. Last evaluated: 2025-04-14. Review status: criteria provided, single submitter. Criteria: ACMG Guidelines, 2015. Collection method: clinical testing. Allele origin: germline.
Comment: The PLXNA1 c.2650A>G variant is predicted to result in the amino acid substitution p.Ile884Val. To our knowledge, this variant has not been reported in the literature or in a large population database (gnomAD), indicating this variant is rare. At this time, the clinical significance of this variant is uncertain due to the absence of conclusive functional and genetic evidence.

NM_032242.4(PLXNA1):c.2650A>G (p.Ile884Val)

Gene: PLXNA1 (plexin A1; plus strand). Cytogenetic location: 3q21.3.
Variant type: single nucleotide variant.
Coding change: c.2650A>G on transcript NM_032242.4 (MANE Select); coding-DNA position 2650, A replaced by G.
Protein change: p.Ile884Val; replaces isoleucine 884 with valine.
Molecular consequence: missense variant.
Genome position (GRCh38, 1-based): chr3:127,014,523, A>G. VCF-style: chr3-127014523-A-G. GRCh37 (hg19) VCF-style: chr3-126733366-A-G.
Other names: short protein forms I884V.
Identifiers: ClinVar variation 4569747 (VCV004569747.2).
Genomic context (GRCh38, chr3:127,014,523, plus strand): 5'-CTCTGCCTCCCTCAGCTGTCCCCCGAGACGGGCCCGAGGCAGGGCGGCACGCGGCTCACT[A>G]TCACAGGCGAGAACCTGGGCCTGCGATTCGAAGACGTGCGTCTGGGCGTGCGCGTGGGCA-3'
Protein context (NP_115618.3, residues 874-894): GPRQGGTRLT[Ile884Val]TGENLGLRFE